The following is an entry in ClinVar:

NM_004260.4(RECQL4):c.2329G>T (p.Gly777Trp)

Gene: RECQL4 (RecQ like helicase 4; minus strand). Cytogenetic location: 8q24.3.
Variant type: single nucleotide variant.
Coding change: c.2329G>T on transcript NM_004260.4 (MANE Select); coding-DNA position 2329, G replaced by T.
Protein change: p.Gly777Trp; replaces glycine 777 with tryptophan.
Molecular consequence: missense variant.
Genome position (GRCh38, 1-based): chr8:144,513,352, C>A on the plus strand (G>T on the coding strand, the complement: RECQL4 is on the minus strand). VCF-style: chr8-144513352-C-A. GRCh37 (hg19) VCF-style: chr8-145738735-C-A.
Other names: short protein forms G777W.
Identifiers: ClinVar variation 1044422 (VCV001044422.3), dbSNP rs377173936, ClinGen allele CA4948334.

ClinVar aggregate classification (germline): Uncertain significance. Review status: criteria provided, multiple submitters, no conflicts (2 of 4 stars). 2 submissions from 2 submitters: Uncertain significance (2). Last evaluated 2022-08-26.

Conditions:
Rothmund-Thomson syndrome type 2 (RTS2). Identifiers: Orphanet 221016, MedGen C5203410, MONDO:0016369, OMIM 268400.
Rapadilino syndrome. Identifiers: Orphanet 3021, MedGen C1849453, MONDO:0009955, OMIM 266280.
Baller-Gerold syndrome (BGS). Also called: CRANIOSYNOSTOSIS WITH RADIAL DEFECTS. Identifiers: Orphanet 1225, MedGen C0265308, MONDO:0009039, OMIM 218600.

Allele frequency attached by ClinVar (database versions not stated): gnomAD exomes below 0.00001; ExAC 0.00002; TOPMed 0.00002; gnomAD 0.00004; ESP Exome Variant Server 0.00008.
gnomAD v4.1: 7 of 1,605,682 alleles (0.00044%); highest among the groups gnomAD compares: African/African-American, 0.0093%; no homozygotes.

Submissions (2):

Labcorp Genetics (formerly Invitae), Labcorp
Classification: Uncertain significance for Baller-Gerold syndrome. Last evaluated: 2022-08-26. Review status: criteria provided, single submitter. Criteria: Invitae Variant Classification Sherloc (09022015). Collection method: clinical testing. Allele origin: germline.
Comment: This sequence change replaces glycine, which is neutral and non-polar, with tryptophan, which is neutral and slightly polar, at codon 777 of the RECQL4 protein (p.Gly777Trp). The frequency data for this variant in the population databases is considered unreliable, as metrics indicate poor data quality at this position in the gnomAD database. This variant has not been reported in the literature in individuals affected with RECQL4-related conditions. ClinVar contains an entry for this variant (Variation ID: 1044422). Experimental studies and prediction algorithms are not available or were not evaluated, and the functional significance of this variant is currently unknown. In summary, the available evidence is currently insufficient to determine the role of this variant in disease. Therefore, it has been classified as a Variant of Uncertain Significance.

Fulgent Genetics
Classification: Uncertain significance for Baller-Gerold syndrome; Rapadilino syndrome; Rothmund-Thomson syndrome type 2. Last evaluated: 2022-02-18. Review status: criteria provided, single submitter. Criteria: ACMG Guidelines, 2015. Collection method: clinical testing. Allele origin: unknown.